The following is an entry in ClinVar:

ClinVar aggregate classification (germline): Uncertain significance (1 of 4 stars; one submission).

Conditions:
Leigh syndrome (NULS). Also called: Leigh's necrotizing encephalopathy; Leigh's disease; Leigh Syndrome (mtDNA deletion); Leigh Disease; Subacute necrotizing encephalopathy; Necrotizing encephalopathy infantile subacute of Leigh. Identifiers: Orphanet 506, MedGen C2931891, MONDO:0009723, OMIM 256000.

Submission:

Wong Mito Lab, Molecular and Human Genetics, Baylor College of Medicine
Classification: Uncertain significance for Leigh syndrome. Last evaluated: 2019-10-17. Review status: criteria provided, single submitter. Criteria: Modified ACMG Guidelines (Unpublished). Collection method: clinical testing. Allele origin: germline.
Comment: The NC_012920.1:m.7032T>C (YP_003024028.1:p.Phe377Leu) variant in MTCO1 gene is interpretated to be a Uncertain Significance variant based on the modified ACMG guidelines (unpublished). This variant meets the following evidence codes: PP3, PP6, PP7

NC_012920.1(MT-CO1):m.7032T>C

Gene: MT-CO1 (mitochondrially encoded cytochrome c oxidase I; plus strand).
Variant type: single nucleotide variant.
Genome position: chrM-7032-T-C.
Identifiers: ClinVar variation 692693 (VCV000692693.1), dbSNP rs1603220739, ClinGen allele CA414790785.